The following is an entry in ClinVar:

NM_005219.5(DIAPH1):c.2733G>T (p.Lys911Asn)

Gene: DIAPH1 (diaphanous related formin 1; minus strand). Cytogenetic location: 5q31.3.
Variant type: single nucleotide variant.
Coding change: c.2733G>T on transcript NM_005219.5 (MANE Select); coding-DNA position 2733, G replaced by T.
Protein change: p.Lys911Asn; replaces lysine 911 with asparagine.
Molecular consequence: missense variant.
Genome position (GRCh38, 1-based): chr5:141,529,217, C>A on the plus strand (G>T on the coding strand, the complement: DIAPH1 is on the minus strand). VCF-style: chr5-141529217-C-A. GRCh37 (hg19) VCF-style: chr5-140908784-C-A.
Other names: c.2706G>T, p.Lys902Asn (NM_001079812.3); c.2733G>T, p.Lys911Asn (NM_001314007.2); short protein forms K902N, K911N.
Identifiers: ClinVar variation 931839 (VCV000931839.6), dbSNP rs767712795, ClinGen allele CA361585871.

ClinVar aggregate classification (germline): Uncertain significance. Review status: criteria provided, multiple submitters, no conflicts (2 of 4 stars). 2 submissions from 2 submitters: Uncertain significance (2). Last evaluated 2022-12-20.

Conditions:
Progressive microcephaly-seizures-cortical blindness-developmental delay syndrome. Also called: Seizures, cortical blindness, and microcephaly syndrome. Identifiers: Orphanet 477814, MedGen C5567650, MONDO:0014714, OMIM 616632.
Autosomal dominant nonsyndromic hearing loss 1. Also called: KONIGSMARK SYNDROME; DEAFNESS, AUTOSOMAL DOMINANT 1, WITH OR WITHOUT THROMBOCYTOPENIA. Identifiers: Orphanet 90635, MedGen C1852282, MONDO:0007424, OMIM 124900.

Submissions (2):

Labcorp Genetics (formerly Invitae), Labcorp
Classification: Uncertain significance for Progressive microcephaly-seizures-cortical blindness-developmental delay syndrome; Autosomal dominant nonsyndromic hearing loss 1. Last evaluated: 2022-12-20. Review status: criteria provided, single submitter. Criteria: Invitae Variant Classification Sherloc (09022015). Collection method: clinical testing. Allele origin: germline.
Comment: In summary, the available evidence is currently insufficient to determine the role of this variant in disease. Therefore, it has been classified as a Variant of Uncertain Significance. Algorithms developed to predict the effect of missense changes on protein structure and function are either unavailable or do not agree on the potential impact of this missense change (SIFT: "Deleterious"; PolyPhen-2: "Possibly Damaging"; Align-GVGD: "Class C0"). ClinVar contains an entry for this variant (Variation ID: 931839). This variant has not been reported in the literature in individuals affected with DIAPH1-related conditions. This variant is present in population databases (no rsID available, gnomAD 0.0009%). This sequence change replaces lysine, which is basic and polar, with asparagine, which is neutral and polar, at codon 911 of the DIAPH1 protein (p.Lys911Asn).

Centre for Mendelian Genomics, University Medical Centre Ljubljana
Classification: Uncertain significance for Autosomal dominant nonsyndromic hearing loss 1. Last evaluated: 2019-02-14. Review status: criteria provided, single submitter. Criteria: ACMG Guidelines, 2015. Collection method: clinical testing. Allele origin: unknown. Affected: yes.
Comment: This variant was classified as: Uncertain significance. The available evidence on this variant's pathogenicity is insufficient or conflicting. The following ACMG criteria were applied in classifying this variant: PP3.